The following is an entry in ClinVar:

NM_212482.4(FN1):c.1144G>A (p.Gly382Arg)

Genes: FN1 (fibronectin 1; minus strand), LOC126806498 (CDK7 strongly-dependent group 2 enhancer GRCh37_chr2:216288045-216289244; plus strand). Cytogenetic location: 2q35.
Variant type: single nucleotide variant.
Coding change: c.1144G>A on transcript NM_212482.4 (MANE Select); coding-DNA position 1144, G replaced by A.
Protein change: p.Gly382Arg; replaces glycine 382 with arginine.
Molecular consequence: missense variant.
Genome position (GRCh38, 1-based): chr2:215,424,218, C>T on the plus strand (G>A on the coding strand, the complement: FN1 is on the minus strand). VCF-style: chr2-215424218-C-T. GRCh37 (hg19) VCF-style: chr2-216288941-C-T.
Other names: c.1144G>A, p.Gly382Arg (NM_001306129.2, NM_001306130.2, NM_001306131.2 and 14 more transcripts); short protein forms G382R.
Identifiers: ClinVar variation 2876529 (VCV002876529.5), dbSNP rs748011887, ClinGen allele CA2095366.
Genomic context (GRCh38, chr2:215,424,218, plus strand): 5'-TGCAGAAAGAGTATTTCTGGTCCTGCTCATAATTCGAAGTTGTGCTGCACCAAAGATGTC[C>T]GTCCTGTCGCCCTTCTGTGGTGCAGGAGTAGAACGTCCTGCCATTGTAGGTGAATGGTAA-3'
Protein context (NP_997647.2, residues 372-392): YSCTTEGRQD[Gly382Arg]HLWCSTTSNY

ClinVar aggregate classification (germline): Uncertain significance. Review status: criteria provided, multiple submitters, no conflicts (2 of 4 stars). 2 submissions from 2 submitters: Uncertain significance (2). Last evaluated 2024-11-11.

Allele frequency attached by ClinVar (database versions not stated): ExAC 0.00001; gnomAD exomes below 0.00001.
gnomAD v4.1: 2 of 1,614,190 alleles (0.00012%); highest among the groups gnomAD compares: South Asian, 0.0011%; no homozygotes.

Submissions (2):

Dasa
Classification: Uncertain significance. Last evaluated: 2024-11-11. Review status: criteria provided, single submitter. Criteria: DASA Assertion Criteria. Collection method: clinical testing. Allele origin: germline.
Comment: NM_212482.4(FN1):c.1144G>A (p.Gly382Arg) is a missense variant that results in the substitution of glycine with arginine. This variant is rare in population databases. The currently available literature and clinical evidence are not sufficient to establish a definitive association between this variant and the reported condition. Therefore, this variant is classified as a variant of uncertain significance.

Labcorp Genetics (formerly Invitae), Labcorp
Classification: Uncertain significance. Last evaluated: 2023-04-09. Review status: criteria provided, single submitter. Criteria: Invitae Variant Classification Sherloc (09022015). Collection method: clinical testing. Allele origin: germline.
Comment: In summary, the available evidence is currently insufficient to determine the role of this variant in disease. Therefore, it has been classified as a Variant of Uncertain Significance. Advanced modeling of protein sequence and biophysical properties (such as structural, functional, and spatial information, amino acid conservation, physicochemical variation, residue mobility, and thermodynamic stability) performed at Invitae indicates that this missense variant is expected to disrupt FN1 protein function. This variant has not been reported in the literature in individuals affected with FN1-related conditions. This variant is present in population databases (rs748011887, gnomAD 0.0009%). This sequence change replaces glycine, which is neutral and non-polar, with arginine, which is basic and polar, at codon 382 of the FN1 protein (p.Gly382Arg).